The following is an entry in ClinVar:

NM_207391.3(RGS9BP):c.323C>T (p.Pro108Leu)

Gene: RGS9BP (regulator of G protein signaling 9 binding protein; plus strand). Cytogenetic location: 19q13.11.
Variant type: single nucleotide variant.
Coding change: c.323C>T on transcript NM_207391.3 (MANE Select); coding-DNA position 323, C replaced by T.
Protein change: p.Pro108Leu; replaces proline 108 with leucine.
Molecular consequence: missense variant.
Genome position (GRCh38, 1-based): chr19:32,676,586, C>T. VCF-style: chr19-32676586-C-T. GRCh37 (hg19) VCF-style: chr19-33167492-C-T.
Other names: short protein forms P108L.
Identifiers: ClinVar variation 854339 (VCV000854339.9), dbSNP rs925627972, ClinGen allele CA405186417.

ClinVar aggregate classification (germline): Uncertain significance (1 of 4 stars; one submission).

Allele frequency attached by ClinVar (database versions not stated): gnomAD exomes below 0.00001.

Submission:

Labcorp Genetics (formerly Invitae), Labcorp
Classification: Uncertain significance. Last evaluated: 2019-11-29. Review status: criteria provided, single submitter. Criteria: Invitae Variant Classification Sherloc (09022015). Collection method: clinical testing. Allele origin: germline.
Comment: In summary, the available evidence is currently insufficient to determine the role of this variant in disease. Therefore, it has been classified as a Variant of Uncertain Significance. Algorithms developed to predict the effect of missense changes on protein structure and function are either unavailable or do not agree on the potential impact of this missense change (SIFT: "Deleterious"; PolyPhen-2: "Possibly Damaging"; Align-GVGD: "Class C0"). This variant has not been reported in the literature in individuals with RGS9BP-related conditions. The frequency data for this variant in the population databases is considered unreliable, as metrics indicate insufficient coverage at this position in the ExAC database. This sequence change replaces proline with leucine at codon 108 of the RGS9BP protein (p.Pro108Leu). The proline residue is highly conserved and there is a moderate physicochemical difference between proline and leucine.